The following is an entry in ClinVar:

ClinVar aggregate classification (germline): Benign. Review status: criteria provided, multiple submitters, no conflicts (2 of 4 stars). 2 submissions from 2 submitters: Benign (2). Last evaluated 2018-06-15.

Allele frequency attached by ClinVar (database versions not stated): 1000 Genomes Project 30x 0.53264; 1000 Genomes Project 0.54353; TOPMed 0.57517; gnomAD 0.58505 and 0.59007; ESP Exome Variant Server 0.58776; ExAC 0.64789; gnomAD exomes 0.65569 and 0.69793.
gnomAD v4.1: 1,063,474 of 1,549,666 alleles (69%); highest among the groups gnomAD compares: Non-Finnish European, 73%; 372,670 homozygotes.

Submissions (2):

GeneDx
Classification: Benign. Last evaluated: 2018-06-15. Review status: criteria provided, single submitter. Criteria: GeneDx Variant Classification (06012015). Collection method: clinical testing. Allele origin: germline. Affected: yes.
Comment: This variant is considered likely benign or benign based on one or more of the following criteria: it is a conservative change, it occurs at a poorly conserved position in the protein, it is predicted to be benign by multiple in silico algorithms, and/or has population frequency not consistent with disease.

Breakthrough Genomics
Classification: Benign. Review status: criteria provided, single submitter. Criteria: ACMG Guidelines, 2015. Collection method: not provided. Allele origin: germline. Inheritance: Autosomal dominant inheritance. Affected: yes.

NM_016599.5(MYOZ2):c.246+37G>C

Gene: MYOZ2 (myozenin 2; plus strand). Cytogenetic location: 4q26.
Variant type: single nucleotide variant.
Coding change: c.246+37G>C on transcript NM_016599.5 (MANE Select); 37 bases into the intron after coding-DNA position 246, G replaced by C.
Molecular consequence: intron variant.
Genome position (GRCh38, 1-based): chr4:119,151,078, G>C. VCF-style: chr4-119151078-G-C. GRCh37 (hg19) VCF-style: chr4-120072233-G-C.
Identifiers: ClinVar variation 671139 (VCV000671139.2), dbSNP rs6828875, ClinGen allele CA3058573.